The following is an entry in ClinVar:

NM_001365951.3(KIF1B):c.2115+6246G>A

Gene: KIF1B (kinesin family member 1B; plus strand). Cytogenetic location: 1p36.22.
Variant type: single nucleotide variant.
Coding change: c.2115+6246G>A on transcript NM_001365951.3 (MANE Select); 6246 bases into the intron after coding-DNA position 2115, G replaced by A.
Molecular consequence: intron variant. On other transcripts: synonymous variant (2).
Genome position (GRCh38, 1-based): chr1:10,303,492, G>A. VCF-style: chr1-10303492-G-A. GRCh37 (hg19) VCF-style: chr1-10363550-G-A.
Other names: c.2307G>A, p.Glu769= (NM_001365953.1, NM_183416.4); c.1977+6246G>A (NM_015074.3); c.2115+6246G>A (NM_001365952.1).
Identifiers: ClinVar variation 4873887 (VCV004873887.2).

ClinVar aggregate classification (germline): Likely benign (1 of 4 stars; one submission).

Submission:

CeGaT Center for Human Genetics Tuebingen
Classification: Likely benign. Last evaluated: 2026-06-01. Review status: criteria provided, single submitter. Criteria: CeGaT Center For Human Genetics Tuebingen Variant Classification Criteria Version 2. Collection method: clinical testing. Allele origin: germline. Affected: yes. Observed: 1 variant allele.
Comment: KIF1B: PM2:Supporting, BP4, BP7